The following is an entry in ClinVar:

NM_032608.7(MYO18B):c.4100A>G (p.Gln1367Arg)

Gene: MYO18B (myosin XVIIIB; plus strand). Cytogenetic location: 22q12.1.
Variant type: single nucleotide variant.
Coding change: c.4100A>G on transcript NM_032608.7 (MANE Select); coding-DNA position 4100, A replaced by G.
Protein change: p.Gln1367Arg; replaces glutamine 1367 with arginine.
Molecular consequence: missense variant.
Genome position (GRCh38, 1-based): chr22:25,876,208, A>G. VCF-style: chr22-25876208-A-G. GRCh37 (hg19) VCF-style: chr22-26272175-A-G.
Other names: c.4103A>G, p.Gln1368Arg (NM_001318245.2); short protein forms Q1367R, Q1368R.
Identifiers: ClinVar variation 2077455 (VCV002077455.4), dbSNP rs2091192369, ClinGen allele CA411007249.

ClinVar aggregate classification (germline): Uncertain significance (1 of 4 stars; one submission).

Allele frequency attached by ClinVar (database versions not stated): gnomAD 0.00001; TOPMed 0.00002.
gnomAD v4.1: 1 of 1,612,610 alleles (0.000062%); highest among the groups gnomAD compares: Non-Finnish European, 0.000085%; no homozygotes.

Submission:

Labcorp Genetics (formerly Invitae), Labcorp
Classification: Uncertain significance. Last evaluated: 2023-05-22. Review status: criteria provided, single submitter. Criteria: Invitae Variant Classification Sherloc (09022015). Collection method: clinical testing. Allele origin: germline.
Comment: This sequence change replaces glutamine, which is neutral and polar, with arginine, which is basic and polar, at codon 1367 of the MYO18B protein (p.Gln1367Arg). This variant is not present in population databases (gnomAD no frequency). In summary, the available evidence is currently insufficient to determine the role of this variant in disease. Therefore, it has been classified as a Variant of Uncertain Significance. Algorithms developed to predict the effect of missense changes on protein structure and function output the following: SIFT: "Not Available"; PolyPhen-2: "Benign"; Align-GVGD: "Not Available". The arginine amino acid residue is found in multiple mammalian species, which suggests that this missense change does not adversely affect protein function. ClinVar contains an entry for this variant (Variation ID: 2077455). This variant has not been reported in the literature in individuals affected with MYO18B-related conditions.